The following is an entry in ClinVar:

ClinVar aggregate classification (germline): Uncertain significance (1 of 4 stars; one submission).

Conditions:
Inborn genetic diseases. Identifiers: MedGen C0950123, MeSH D030342.

Submission:

Ambry Genetics
Classification: Uncertain significance for Inborn genetic diseases. Last evaluated: 2026-07-06. Review status: criteria provided, single submitter. Criteria: Ambry Variant Classification Scheme 2023. Collection method: clinical testing. Allele origin: germline.
Comment: The p.S48T variant (also known as c.143G>C), located in coding exon 3 of the RUNX1 gene, results from a G to C substitution at nucleotide position 143. The serine at codon 48 is replaced by threonine, an amino acid with similar properties. This amino acid position is conserved. In addition, the in silico prediction for this alteration is inconclusive. Based on the available evidence, the clinical significance of this variant remains unclear.

NM_001754.5(RUNX1):c.143G>C (p.Ser48Thr)

Gene: RUNX1 (RUNX family transcription factor 1; minus strand). Cytogenetic location: 21q22.12.
Variant type: single nucleotide variant.
Coding change: c.143G>C on transcript NM_001754.5 (MANE Select); coding-DNA position 143, G replaced by C.
Protein change: p.Ser48Thr; replaces serine 48 with threonine.
Molecular consequence: missense variant.
Genome position (GRCh38, 1-based): chr21:34,887,051, C>G on the plus strand (G>C on the coding strand, the complement: RUNX1 is on the minus strand). VCF-style: chr21-34887051-C-G. GRCh37 (hg19) VCF-style: chr21-36259348-C-G.
Other names: c.62G>C, p.Ser21Thr (NM_001001890.3, NM_001122607.2); short protein forms S21T, S48T.
Identifiers: ClinVar variation 5028572 (VCV005028572.1).
Genomic context (GRCh38, chr21:34,887,051, plus strand): 5'-GCCAGGGCAGCGCCGGCGTCCGGGGCGCCCAGCGGCAACGCCTCGCTCATCTTGCCTGGG[C>G]TCAGCGCGGTGGAAGGCGGCGTGAAGCGGCGGCTCGTGCTGGCATCTACGGGGATACGCA-3'
Protein context (NP_001745.2, residues 38-58): RRFTPPSTAL[Ser48Thr]PGKMSEALPL